The following is an entry in ClinVar:

ClinVar aggregate classification (germline): Likely pathogenic (1 of 4 stars; one submission).

Conditions:
Intellectual developmental disorder, autosomal dominant 44, with microcephaly. Also called: Micrognathia-recurrent infections-behavioral abnormalities-mild intellectual disability syndrome; TRIO-Related Intellectual Disability. Identifiers: Orphanet 476126, MedGen C4310740, MONDO:0014892, OMIM 617061.

Submission:

Clinical Genetics Laboratory, Skane University Hospital Lund
Classification: Likely pathogenic for Intellectual developmental disorder, autosomal dominant 44, with microcephaly. Last evaluated: 2026-06-25. Review status: criteria provided, single submitter. Criteria: ACMG Guidelines, 2015. Collection method: clinical testing. Allele origin: germline. Inheritance: Autosomal dominant inheritance. Affected: yes.
Comment: ACMG criteria used: PVS1, PM2

NM_007118.4(TRIO):c.2326C>T (p.Gln776Ter)

Gene: TRIO (trio Rho guanine nucleotide exchange factor; plus strand). Cytogenetic location: 5p15.2.
Variant type: single nucleotide variant.
Coding change: c.2326C>T on transcript NM_007118.4 (MANE Select); coding-DNA position 2326, C replaced by T.
Protein change: p.Gln776Ter; replaces glutamine 776 with a stop codon.
Molecular consequence: nonsense. On other transcripts: non-coding transcript variant (1).
Genome position (GRCh38, 1-based): chr5:14,359,466, C>T. VCF-style: chr5-14359466-C-T. GRCh37 (hg19) VCF-style: chr5-14359575-C-T.
Other names: short protein forms Q776*.
Identifiers: ClinVar variation 4890855 (VCV004890855.1).
Genomic context (GRCh38, chr5:14,359,466, plus strand): 5'-CACATTGAGACGGTGCTGCAGCAGCTGGACGAGGCGCAGTCGCAGATGGAGGAGCTCTTC[C>T]AGGAGCGCAAGATCAAGCTGGAGCTCTTCCTGCAGCTGCGCATCTTCGAGAGGGACGCCA-3'